The following is an entry in ClinVar:

ClinVar aggregate classification (germline): Uncertain significance. Review status: criteria provided, multiple submitters, no conflicts (2 of 4 stars). 2 submissions from 2 submitters: Uncertain significance (2). Last evaluated 2024-02-05.

Conditions:
Inborn genetic diseases. Identifiers: MedGen C0950123, MeSH D030342.

Allele frequency attached by ClinVar (database versions not stated): gnomAD 0.00001; gnomAD exomes 0.00001; ExAC 0.00002; 1000 Genomes Project 30x 0.00016; 1000 Genomes Project 0.00020.
gnomAD v4.1: 15 of 1,613,228 alleles (0.00093%); highest among the groups gnomAD compares: South Asian, 0.017%; no homozygotes.

Submissions (2):

Labcorp Genetics (formerly Invitae), Labcorp
Classification: Uncertain significance. Last evaluated: 2024-02-05. Review status: criteria provided, single submitter. Criteria: Invitae Variant Classification Sherloc (09022015). Collection method: clinical testing. Allele origin: germline.
Comment: This sequence change replaces threonine, which is neutral and polar, with alanine, which is neutral and non-polar, at codon 1401 of the MYO18B protein (p.Thr1401Ala). This variant is present in population databases (rs546098279, gnomAD 0.003%). This variant has not been reported in the literature in individuals affected with MYO18B-related conditions. ClinVar contains an entry for this variant (Variation ID: 1994484). An algorithm developed to predict the effect of missense changes on protein structure and function (PolyPhen-2) suggests that this variant is likely to be tolerated. In summary, the available evidence is currently insufficient to determine the role of this variant in disease. Therefore, it has been classified as a Variant of Uncertain Significance.

Ambry Genetics
Classification: Uncertain significance for Inborn genetic diseases. Last evaluated: 2023-06-28. Review status: criteria provided, single submitter. Criteria: Ambry Variant Classification Scheme 2023. Collection method: clinical testing. Allele origin: germline.

NM_032608.7(MYO18B):c.4201A>G (p.Thr1401Ala)

Gene: MYO18B (myosin XVIIIB; plus strand). Cytogenetic location: 22q12.1.
Variant type: single nucleotide variant.
Coding change: c.4201A>G on transcript NM_032608.7 (MANE Select); coding-DNA position 4201, A replaced by G.
Protein change: p.Thr1401Ala; replaces threonine 1401 with alanine.
Molecular consequence: missense variant.
Genome position (GRCh38, 1-based): chr22:25,876,309, A>G. VCF-style: chr22-25876309-A-G. GRCh37 (hg19) VCF-style: chr22-26272276-A-G.
Other names: c.4201A>G (NM_032608.5); c.4204A>G, p.Thr1402Ala (NM_001318245.2); short protein forms T1401A, T1402A.
Identifiers: ClinVar variation 1994484 (VCV001994484.6), dbSNP rs546098279, ClinGen allele CA10160787.
Genomic context (GRCh38, chr22:25,876,309, plus strand): 5'-GACTGGCCATGGTGGCAGCTGCTTGGTTCCCTCCAGCCTCTACTTAGTGCCACCATTGGA[A>G]CTGAGCAGCTCCGAGCCAAGGAGGTCAGTCTATGTGGCAGGCAGGGTGCTGGGTGGCTAC-3'
Protein context (NP_115997.5, residues 1391-1411): LQPLLSATIG[Thr1401Ala]EQLRAKEEEL